The following is an entry in ClinVar:

NM_000512.5(GALNS):c.1409C>T (p.Ser470Leu)

Genes: GALNS (galactosamine (N-acetyl)-6-sulfatase; minus strand), LOC126862447 (CDK7 strongly-dependent group 2 enhancer GRCh37_chr16:88884193-88885392; plus strand). Cytogenetic location: 16q24.3.
Variant type: single nucleotide variant.
Coding change: c.1409C>T on transcript NM_000512.5 (MANE Select); coding-DNA position 1409, C replaced by T.
Protein change: p.Ser470Leu; replaces serine 470 with leucine.
Molecular consequence: missense variant.
Genome position (GRCh38, 1-based): chr16:88,818,080, G>A on the plus strand (C>T on the coding strand, the complement: GALNS is on the minus strand). VCF-style: chr16-88818080-G-A. GRCh37 (hg19) VCF-style: chr16-88884488-G-A.
Other names: c.1409C>T (NM_000512.4); c.854C>T, p.Ser285Leu (NM_001323543.2); c.1427C>T, p.Ser476Leu (NM_001323544.2); short protein forms S285L, S470L, S476L.
Identifiers: ClinVar variation 1158060 (VCV001158060.11), dbSNP rs760260706, ClinGen allele CA8234672.

ClinVar aggregate classification (germline): Conflicting classifications of pathogenicity. Review status: criteria provided, conflicting classifications (1 of 4 stars). 3 submissions from 3 submitters: Uncertain significance (1); Likely benign (2). Last evaluated 2026-01-26.

Conditions:
GALNS-related disorder. Also called: GALNS-related condition.
Mucopolysaccharidosis, MPS-IV-A (MPS4A). Also called: MPS IVA; GALACTOSAMINE-6-SULFATASE DEFICIENCY; GALNS DEFICIENCY; Mucopolysaccharidosis type IV A; Mucopolysaccharidosis Type IVA; mucopolysaccharidosis type 4A. Identifiers: Orphanet 309297, Orphanet 582, MedGen C0086651, MONDO:0009659, OMIM 253000.

Allele frequency attached by ClinVar (database versions not stated): gnomAD 0.00003 and 0.00004; gnomAD exomes 0.00005 and 0.00030; TOPMed 0.00017; ExAC 0.00038.
gnomAD v4.1: 74 of 1,574,448 alleles (0.0047%); highest among the groups gnomAD compares: Admixed American, 0.12%; no homozygotes.

Submissions (3):

Labcorp Genetics (formerly Invitae), Labcorp
Classification: Likely benign for Mucopolysaccharidosis, MPS-IV-A. Last evaluated: 2026-01-26. Review status: criteria provided, single submitter. Criteria: Invitae Variant Classification Sherloc (09022015). Collection method: clinical testing. Allele origin: germline.

PreventionGenetics, part of Exact Sciences
Classification: Likely benign for GALNS-related condition. Last evaluated: 2025-02-11. Review status: criteria provided, single submitter. Criteria: ACMG Guidelines, 2015. Collection method: clinical testing. Allele origin: germline.
Comment: This variant is classified as likely benign based on ACMG/AMP sequence variant interpretation guidelines (Richards et al. 2015 PMID: 25741868, with internal and published modifications).

GeneDx
Classification: Uncertain significance. Last evaluated: 2022-11-15. Review status: criteria provided, single submitter. Criteria: GeneDx Variant Classification Process June 2021. Collection method: clinical testing. Allele origin: germline. Affected: yes.
Comment: In silico analysis supports that this missense variant does not alter protein structure/function; Has not been previously published as pathogenic or benign to our knowledge